The following is an entry in ClinVar:

NC_000011.9:g.(?_93517670)_(93517939_?)del

Gene: MED17 (mediator complex subunit 17; plus strand). Cytogenetic location: 11q21.
Variant type: Deletion.
Identifiers: ClinVar variation 1459566 (VCV001459566.4).

ClinVar aggregate classification (germline): Pathogenic (1 of 4 stars; one submission).

Submission:

Labcorp Genetics (formerly Invitae), Labcorp
Classification: Pathogenic. Last evaluated: 2020-10-31. Review status: criteria provided, single submitter. Criteria: Invitae Variant Classification Sherloc (09022015). Collection method: clinical testing. Allele origin: germline.
Comment: For these reasons, this variant has been classified as Pathogenic. This variant has not been reported in the literature in individuals with MED17-related conditions. This variant is a gross deletion of the genomic region encompassing exon(s) 1 of the MED17 gene, which includes the initiator codon. The 5' end of this event is unknown as it extends beyond the assayed region for this gene and therefore may encompass additional genes. The 3' boundary is likely confined to intron 1 of the MED17 gene. It is expected to result in an absent or disrupted protein product. Loss-of-function variants in MED17 are known to be pathogenic (PMID: 20950787, 26004231, 30345598).

Literature cited by the submitters: PubMed 20950787; PubMed 26004231; PubMed 30345598.